The following is an entry in ClinVar:

NM_000548.5(TSC2):c.2960T>C (p.Val987Ala)

Gene: TSC2 (TSC complex subunit 2; plus strand). Cytogenetic location: 16p13.3.
Variant type: single nucleotide variant.
Coding change: c.2960T>C on transcript NM_000548.5 (MANE Select); coding-DNA position 2960, T replaced by C.
Protein change: p.Val987Ala; replaces valine 987 with alanine.
Molecular consequence: missense variant. On other transcripts: intron variant (31).
Genome position (GRCh38, 1-based): chr16:2,077,720, T>C. VCF-style: chr16-2077720-T-C. GRCh37 (hg19) VCF-style: chr16-2127721-T-C.
Other names: c.2927+1135T>C (NM_001406668.1, NM_001406667.1); c.2237+1135T>C (NM_001406687.1, NM_001406685.1, NM_001318831.2 and 2 more transcripts); c.1493+1135T>C (NM_001406690.1, NM_001406692.1, NM_001406691.1 and 5 more transcripts); c.1235+1135T>C (NM_001406698.1); c.2837+1135T>C (NM_021055.3, NM_001370405.1, NM_001363528.2 and 3 more transcripts); c.2960T>C, p.Val987Ala (NM_001114382.3, NM_001406663.1, NM_001406664.1); c.2849T>C, p.Val950Ala (NM_001406670.1); c.2813T>C, p.Val938Ala (NM_001406675.1, NM_001406676.1); and 8 more; short protein forms V950A, V938A, V987A, V539A, V787A.
Identifiers: ClinVar variation 2846314 (VCV002846314.4), dbSNP rs1391148381, ClinGen allele CA394281585.

ClinVar aggregate classification (germline): Conflicting classifications of pathogenicity. Review status: criteria provided, conflicting classifications (1 of 4 stars). 2 submissions from 2 submitters: Uncertain significance (1); Benign (1). Last evaluated 2023-12-26.

Conditions:
Hereditary cancer-predisposing syndrome. Also called: Hereditary Cancer Syndrome; Hereditary neoplastic syndrome; Neoplastic Syndromes, Hereditary; Tumor predisposition. Identifiers: Orphanet 140162, MedGen C0027672, MeSH D009386, MONDO:0015356.
Tuberous sclerosis 2 (TSC2). Identifiers: Orphanet 805, MedGen C1860707, MONDO:0013199, OMIM 613254.

Allele frequency attached by ClinVar (database versions not stated): gnomAD exomes below 0.00001.

Submissions (2):

Ambry Genetics
Classification: Uncertain significance for Hereditary cancer-predisposing syndrome. Last evaluated: 2023-12-26. Review status: criteria provided, single submitter. Criteria: Ambry Variant Classification Scheme 2023. Collection method: clinical testing. Allele origin: germline.
Comment: The p.V987A variant (also known as c.2960T>C), located in coding exon 25 of the TSC2 gene, results from a T to C substitution at nucleotide position 2960. The valine at codon 987 is replaced by alanine, an amino acid with similar properties. This amino acid position is well conserved in available vertebrate species. In addition, the in silico prediction for this alteration is inconclusive. Since supporting evidence is limited at this time, the clinical significance of this alteration remains unclear.

Labcorp Genetics (formerly Invitae), Labcorp
Classification: Benign for Tuberous sclerosis 2. Last evaluated: 2023-05-27. Review status: criteria provided, single submitter. Criteria: Invitae Variant Classification Sherloc (09022015). Collection method: clinical testing. Allele origin: germline.